The following is an entry in ClinVar:

ClinVar aggregate classification (germline): Likely benign. Review status: criteria provided, multiple submitters, no conflicts (2 of 4 stars). 2 submissions from 2 submitters: Likely benign (2). Last evaluated 2025-08-01.

Allele frequency attached by ClinVar (database versions not stated): TOPMed below 0.00001; ExAC 0.00001; ESP Exome Variant Server 0.00008.

Submissions (2):

CeGaT Center for Human Genetics Tuebingen
Classification: Likely benign. Last evaluated: 2025-08-01. Review status: criteria provided, single submitter. Criteria: CeGaT Center For Human Genetics Tuebingen Variant Classification Criteria Version 2. Collection method: clinical testing. Allele origin: germline. Affected: yes. Observed: 1 variant allele.
Comment: GRIN2D: BP4, BP7

Labcorp Genetics (formerly Invitae), Labcorp
Classification: Likely benign. Last evaluated: 2021-03-24. Review status: criteria provided, single submitter. Criteria: Invitae Variant Classification Sherloc (09022015). Collection method: clinical testing. Allele origin: germline.

NM_000836.4(GRIN2D):c.1950C>T (p.Pro650=)

Genes: GRIN2D (glutamate ionotropic receptor NMDA type subunit 2D; plus strand), LOC130064857 (ATAC-STARR-seq lymphoblastoid active region 14894; plus strand). Cytogenetic location: 19q13.33.
Variant type: single nucleotide variant.
Coding change: c.1950C>T on transcript NM_000836.4 (MANE Select); coding-DNA position 1950, C replaced by T.
Protein change: p.Pro650=; no amino-acid change (proline 650 retained).
Molecular consequence: synonymous variant.
Genome position (GRCh38, 1-based): chr19:48,419,673, C>T. VCF-style: chr19-48419673-C-T. GRCh37 (hg19) VCF-style: chr19-48922930-C-T.
Identifiers: ClinVar variation 1543865 (VCV001543865.16), dbSNP rs373262324, ClinGen allele CA9550630.